The following is an entry in ClinVar:

NM_005881.4(BCKDK):c.47C>T (p.Pro16Leu)

Gene: BCKDK (branched chain keto acid dehydrogenase kinase; plus strand). Cytogenetic location: 16p11.2.
Variant type: single nucleotide variant.
Coding change: c.47C>T on transcript NM_005881.4 (MANE Select); coding-DNA position 47, C replaced by T.
Protein change: p.Pro16Leu; replaces proline 16 with leucine.
Molecular consequence: missense variant.
Genome position (GRCh38, 1-based): chr16:31,109,270, C>T. VCF-style: chr16-31109270-C-T. GRCh37 (hg19) VCF-style: chr16-31120591-C-T.
Other names: c.47C>T, p.Pro16Leu (NM_001122957.4, NM_001271926.3); c.47C>T (NM_005881.3); short protein forms P16L.
Identifiers: ClinVar variation 195254 (VCV000195254.6), dbSNP rs749467687, ClinGen allele CA241598.

ClinVar aggregate classification (germline): Uncertain significance. Review status: criteria provided, multiple submitters, no conflicts (2 of 4 stars). 2 submissions from 2 submitters: Uncertain significance (2). Last evaluated 2025-06-10.

Allele frequency attached by ClinVar (database versions not stated): ExAC below 0.00001; gnomAD 0.00001; gnomAD exomes 0.00001; TOPMed 0.00001.
gnomAD v4.1: 14 of 1,569,648 alleles (0.00089%); highest among the groups gnomAD compares: South Asian, 0.0035%; no homozygotes.

Submissions (2):

GeneDx
Classification: Uncertain significance. Last evaluated: 2025-06-10. Review status: criteria provided, single submitter. Criteria: GeneDx Variant Classification Process June 2021. Collection method: clinical testing. Allele origin: germline. Affected: yes.
Comment: In silico analysis supports that this missense variant has a deleterious effect on protein structure/function; Has not been previously published as pathogenic or benign to our knowledge

Eurofins Ntd Llc (ga)
Classification: Uncertain significance. Last evaluated: 2015-05-01. Review status: criteria provided, single submitter. Criteria: EGL Classification Definitions 2015. Collection method: clinical testing. Allele origin: germline. Observed: 1 variant allele, 1 heterozygote.